The following is an entry in ClinVar:

ClinVar aggregate classification (germline): Uncertain significance (1 of 4 stars; one submission).

Conditions:
Nephronophthisis. Also called: Juvenile Nephronophthisis. Identifiers: Orphanet 655, MedGen C0687120, MONDO:0019005, HP:0000090.

Submission:

Labcorp Genetics (formerly Invitae), Labcorp
Classification: Uncertain significance for Nephronophthisis. Last evaluated: 2022-09-06. Review status: criteria provided, single submitter. Criteria: Invitae Variant Classification Sherloc (09022015). Collection method: clinical testing. Allele origin: germline.
Comment: In summary, the available evidence is currently insufficient to determine the role of this variant in disease. Therefore, it has been classified as a Variant of Uncertain Significance. Algorithms developed to predict the effect of missense changes on protein structure and function are either unavailable or do not agree on the potential impact of this missense change (SIFT: "Deleterious"; PolyPhen-2: "Probably Damaging"; Align-GVGD: "Class C0"). This variant has not been reported in the literature in individuals affected with NPHP3-related conditions. This variant is not present in population databases (gnomAD no frequency). This sequence change replaces alanine, which is neutral and non-polar, with threonine, which is neutral and polar, at codon 962 of the NPHP3 protein (p.Ala962Thr).

NM_153240.5(NPHP3):c.2884G>A (p.Ala962Thr)

Genes: NPHP3 (nephrocystin 3; minus strand), NPHP3-ACAD11 (NPHP3-ACAD11 readthrough (NMD candidate); minus strand). Cytogenetic location: 3q22.1.
Variant type: single nucleotide variant.
Coding change: c.2884G>A on transcript NM_153240.5 (MANE Select); coding-DNA position 2884, G replaced by A.
Protein change: p.Ala962Thr; replaces alanine 962 with threonine.
Molecular consequence: missense variant. On other transcripts: non-coding transcript variant (1).
Genome position (GRCh38, 1-based): chr3:132,688,891, C>T on the plus strand (G>A on the coding strand, the complement: NPHP3 is on the minus strand). VCF-style: chr3-132688891-C-T. GRCh37 (hg19) VCF-style: chr3-132407735-C-T.
Other names: short protein forms A962T.
Identifiers: ClinVar variation 1990910 (VCV001990910.4), dbSNP rs1939229365, ClinGen allele CA354580245.